The following is an entry in ClinVar:

NM_005876.5(SPEG):c.1897C>T (p.Pro633Ser)

Gene: SPEG (striated muscle enriched protein kinase; plus strand). Cytogenetic location: 2q35.
Variant type: single nucleotide variant.
Coding change: c.1897C>T on transcript NM_005876.5 (MANE Select); coding-DNA position 1897, C replaced by T.
Protein change: p.Pro633Ser; replaces proline 633 with serine.
Molecular consequence: missense variant.
Genome position (GRCh38, 1-based): chr2:219,449,055, C>T. VCF-style: chr2-219449055-C-T. GRCh37 (hg19) VCF-style: chr2-220313777-C-T.
Other names: short protein forms P633S.
Identifiers: ClinVar variation 2179761 (VCV002179761.2), dbSNP rs1381903562, ClinGen allele CA350724935.
Genomic context (GRCh38, chr2:219,449,055, plus strand): 5'-CCCCCCGCCGCCGATCCCCCAGAGGCCAGGACGAAAGCACCCCCCGGTCGGAAGCGGGAG[C>T]CCCCGGCGCAGGCCGTGCGCTTCCTGCCCTGGGCCACGCCGGGCCTGGAGGGCGCTGCTG-3'
Protein context (NP_005867.3, residues 623-643): TKAPPGRKRE[Pro633Ser]PAQAVRFLPW

ClinVar aggregate classification (germline): Uncertain significance (1 of 4 stars; one submission).

Submission:

Labcorp Genetics (formerly Invitae), Labcorp
Classification: Uncertain significance. Last evaluated: 2025-06-16. Review status: criteria provided, single submitter. Criteria: Invitae Variant Classification Sherloc (09022015). Collection method: clinical testing. Allele origin: germline.
Comment: This sequence change replaces proline, which is neutral and non-polar, with serine, which is neutral and polar, at codon 633 of the SPEG protein (p.Pro633Ser). This variant is not present in population databases (gnomAD no frequency). This variant has not been reported in the literature in individuals affected with SPEG-related conditions. ClinVar contains an entry for this variant (Variation ID: 2179761). An algorithm developed to predict the effect of missense changes on protein structure and function (PolyPhen-2) suggests that this variant is likely to be disruptive. In summary, the available evidence is currently insufficient to determine the role of this variant in disease. Therefore, it has been classified as a Variant of Uncertain Significance.